The following is an entry in ClinVar:

ClinVar aggregate classification (germline): Uncertain significance (1 of 4 stars; one submission).

Conditions:
Myopathy, proximal, and ophthalmoplegia (CMYO6). Also called: INCLUSION BODY MYOPATHY 3, AUTOSOMAL DOMINANT; MYOPATHY WITH CONGENITAL JOINT CONTRACTURES, OPHTHALMOPLEGIA, AND RIMMED VACUOLES; CONGENITAL MYOPATHY 6 WITH OPHTHALMOPLEGIA. Identifiers: Orphanet 363677, Orphanet 79091, MedGen C1854106, MONDO:0011577, OMIM 605637.

Submission:

Labcorp Genetics (formerly Invitae), Labcorp
Classification: Uncertain significance for Myopathy, proximal, and ophthalmoplegia. Last evaluated: 2023-10-08. Review status: criteria provided, single submitter. Criteria: Invitae Variant Classification Sherloc (09022015). Collection method: clinical testing. Allele origin: germline.
Comment: This sequence change falls in intron 30 of the MYH2 gene. It does not directly change the encoded amino acid sequence of the MYH2 protein. This variant is not present in population databases (gnomAD no frequency). This variant has not been reported in the literature in individuals affected with MYH2-related conditions. Algorithms developed to predict the effect of sequence changes on RNA splicing suggest that this variant may create or strengthen a splice site. In summary, the available evidence is currently insufficient to determine the role of this variant in disease. Therefore, it has been classified as a Variant of Uncertain Significance.

NM_017534.6(MYH2):c.4187+15A>G

Genes: MYH2 (myosin heavy chain 2; minus strand), MYHAS (myosin heavy chain gene cluster antisense RNA; plus strand). Cytogenetic location: 17p13.1.
Variant type: single nucleotide variant.
Coding change: c.4187+15A>G on transcript NM_017534.6 (MANE Select); 15 bases into the intron after coding-DNA position 4187, A replaced by G.
Molecular consequence: intron variant.
Genome position (GRCh38, 1-based): chr17:10,526,584, T>C on the plus strand (A>G on the coding strand, the complement: MYH2 is on the minus strand). VCF-style: chr17-10526584-T-C. GRCh37 (hg19) VCF-style: chr17-10429901-T-C.
Other names: c.4187+15A>G (NM_001100112.2).
Identifiers: ClinVar variation 2766955 (VCV002766955.3), dbSNP rs2508420195, ClinGen allele CA2697559413.